The following is an entry in ClinVar:

ClinVar aggregate classification (germline): Uncertain significance (1 of 4 stars; one submission).

Submission:

Labcorp Genetics (formerly Invitae), Labcorp
Classification: Uncertain significance. Last evaluated: 2023-08-22. Review status: criteria provided, single submitter. Criteria: Invitae Variant Classification Sherloc (09022015). Collection method: clinical testing. Allele origin: germline.
Comment: In summary, the available evidence is currently insufficient to determine the role of this variant in disease. Therefore, it has been classified as a Variant of Uncertain Significance. An algorithm developed to predict the effect of missense changes on protein structure and function (PolyPhen-2) suggests that this variant is likely to be disruptive. This variant has not been reported in the literature in individuals affected with MSH3-related conditions. This variant is not present in population databases (gnomAD no frequency). This sequence change replaces serine, which is neutral and polar, with arginine, which is basic and polar, at codon 773 of the MSH3 protein (p.Ser773Arg).

NM_002439.5(MSH3):c.2319C>G (p.Ser773Arg)

Gene: MSH3 (mutS homolog 3; plus strand). Cytogenetic location: 5q14.1.
Variant type: single nucleotide variant.
Coding change: c.2319C>G on transcript NM_002439.5 (MANE Select); coding-DNA position 2319, C replaced by G.
Protein change: p.Ser773Arg; replaces serine 773 with arginine.
Molecular consequence: missense variant.
Genome position (GRCh38, 1-based): chr5:80,778,720, C>G. VCF-style: chr5-80778720-C-G. GRCh37 (hg19) VCF-style: chr5-80074539-C-G.
Other names: short protein forms S773R.
Identifiers: ClinVar variation 2914385 (VCV002914385.3), dbSNP rs2112007639, ClinGen allele CA360281699.
Genomic context (GRCh38, chr5:80,778,720, plus strand): 5'-TGGCATTTCGGATTTTTTACTAACCTTGATTTCCTATTTGTGTTCTTTCCCCTCTTCTAG[C>G]ACAAAAGCTGTGAGCCGCTTTCACTCTCCTTTTATTGTAGAAAATTACAGACATCTGAAT-3'
Protein context (NP_002430.3, residues 763-783): CIPTDWVKVG[Ser773Arg]TKAVSRFHSP